The following is an entry in ClinVar:

NM_000540.3(RYR1):c.6214C>G (p.Leu2072Val)

Gene: RYR1 (ryanodine receptor 1; plus strand). Cytogenetic location: 19q13.2.
Variant type: single nucleotide variant.
Coding change: c.6214C>G on transcript NM_000540.3 (MANE Select); coding-DNA position 6214, C replaced by G.
Protein change: p.Leu2072Val; replaces leucine 2072 with valine.
Molecular consequence: missense variant.
Genome position (GRCh38, 1-based): chr19:38,492,576, C>G. VCF-style: chr19-38492576-C-G. GRCh37 (hg19) VCF-style: chr19-38983216-C-G.
Other names: c.6214C>G, p.Leu2072Val (NM_001042723.2); short protein forms L2072V.
Identifiers: ClinVar variation 2047536 (VCV002047536.5), dbSNP rs1290151222, ClinGen allele CA405662311.

ClinVar aggregate classification (germline): Uncertain significance. Review status: criteria provided, multiple submitters, no conflicts (2 of 4 stars). 3 submissions from 3 submitters: Uncertain significance (3). Last evaluated 2024-11-14.

Conditions:
Malignant hyperthermia, susceptibility to, 1 (MHS1). Also called: Malignant hyperthermia suceptibility 1; Anesthesia related hyperthermia; Malignant hyperpyrexia; Fulminating hyperpyrexia; Pharmacogenic myopathy; RYR1-Related Malignant Hyperthermia Susceptibility. Identifiers: Orphanet 423, MedGen C2930980, MONDO:0007783, OMIM 145600.
RYR1-related disorder. Also called: RYR1-related condition; RYR1-related disorders. Identifiers: MedGen CN239331.

Allele frequency attached by ClinVar (database versions not stated): gnomAD exomes below 0.00001; TOPMed 0.00001.
gnomAD v4.1: 1 of 1,611,132 alleles (0.000062%); highest among the groups gnomAD compares: Admixed American, 0.0017%; no homozygotes.

Submissions (3):

Labcorp Genetics (formerly Invitae), Labcorp
Classification: Uncertain significance for RYR1-related disorder. Last evaluated: 2024-11-14. Review status: criteria provided, single submitter. Criteria: Invitae Variant Classification Sherloc (09022015). Collection method: clinical testing. Allele origin: germline.
Comment: This sequence change replaces leucine, which is neutral and non-polar, with valine, which is neutral and non-polar, at codon 2072 of the RYR1 protein (p.Leu2072Val). This variant is present in population databases (no rsID available, gnomAD 0.003%). This variant has not been reported in the literature in individuals affected with RYR1-related conditions. ClinVar contains an entry for this variant (Variation ID: 2047536). Invitae Evidence Modeling of protein sequence and biophysical properties (such as structural, functional, and spatial information, amino acid conservation, physicochemical variation, residue mobility, and thermodynamic stability) indicates that this missense variant is not expected to disrupt RYR1 protein function with a negative predictive value of 80%. In summary, the available evidence is currently insufficient to determine the role of this variant in disease. Therefore, it has been classified as a Variant of Uncertain Significance.

Color Diagnostics, LLC DBA Color Health
Classification: Uncertain significance for Malignant hyperthermia, susceptibility to, 1. Last evaluated: 2024-04-10. Review status: criteria provided, single submitter. Criteria: ACMG Guidelines, 2015. Collection method: clinical testing. Allele origin: germline.
Comment: This missense variant replaces leucine with valine at codon 2072 of the RYR1 protein. Computational prediction suggests that this variant may not impact protein structure and function. To our knowledge, functional studies have not been reported for this variant. This variant has not been reported in individuals affected with RYR1-related disorders in the literature. This variant has been identified in 1/251172 chromosomes in the general population by the Genome Aggregation Database (gnomAD). The available evidence is insufficient to determine the role of this variant in disease conclusively. Therefore, this variant is classified as a Variant of Uncertain Significance.

All of Us Research Program, National Institutes of Health
Classification: Uncertain significance for Malignant hyperthermia, susceptibility to, 1. Last evaluated: 2023-04-27. Review status: criteria provided, single submitter. Criteria: ACMG Guidelines, 2015. Collection method: clinical testing. Allele origin: germline. Inheritance: Autosomal dominant inheritance. Observed: 1 variant allele, 1 heterozygote.
Comment: This study involves interpretation of variants in research participants for the purpose of population health screening. Participant phenotype was not available at the time of variant classification. Additional details can be found in publication PMID: 35346344, PMCID: PMC8962531